The following is an entry in ClinVar:

ClinVar aggregate classification (germline): Pathogenic/Likely pathogenic. Review status: criteria provided, multiple submitters, no conflicts (2 of 4 stars). 3 submissions from 3 submitters: Pathogenic (1); Likely pathogenic (2). Last evaluated 2025-09-10.

Conditions:
Familial adenomatous polyposis 1 (FAP1). Also called: FAMILIAL ADENOMATOUS POLYPOSIS 1, ATTENUATED; POLYPOSIS, ADENOMATOUS INTESTINAL. Identifiers: MedGen C2713442, MONDO:0021056, OMIM 175100. Disease mechanism: loss of function.

Submissions (3):

Genomic Medicine Center of Excellence, King Faisal Specialist Hospital and Research Centre
Classification: Likely pathogenic for Familial adenomatous polyposis 1. Last evaluated: 2025-09-10. Review status: criteria provided, single submitter. Criteria: ACMG Guidelines, 2015. Collection method: clinical testing. Allele origin: germline.

Labcorp Genetics (formerly Invitae), Labcorp
Classification: Pathogenic for Familial adenomatous polyposis 1. Last evaluated: 2025-04-17. Review status: criteria provided, single submitter. Criteria: Invitae Variant Classification Sherloc (09022015). Collection method: clinical testing. Allele origin: germline.
Comment: This sequence change creates a premature translational stop signal (p.Ser1857*) in the APC gene. While this is not anticipated to result in nonsense mediated decay, it is expected to disrupt the last 987 amino acid(s) of the APC protein. This variant is not present in population databases (gnomAD no frequency). This variant has not been reported in the literature in individuals affected with APC-related conditions. ClinVar contains an entry for this variant (Variation ID: 619609). This variant is expected to disrupt the EB1 and HDLG binding sites, which mediate interactions with the cytoskeleton (PMID: 15311282, 17293347). While functional studies have not been performed to directly test the effect on APC protein function, this suggests that disruption of the C-terminal portion of the protein is functionally important. A different truncation (p.Tyr2645Lysfs*14) that lies downstream of this variant has been determined to be pathogenic (PMID: 9824584, 1316610, 27081525, 8381579, 22135120, internal data). This suggests that deletion of this region of the APC protein is causative of disease. For these reasons, this variant has been classified as Pathogenic.

Quest Diagnostics Nichols Institute San Juan Capistrano
Classification: Likely pathogenic. Last evaluated: 2018-04-06. Review status: criteria provided, single submitter. Criteria: Quest Diagnostics criteria. Collection method: clinical testing. Allele origin: germline.

Literature cited by the submitters: PubMed 15311282 (cited by Labcorp Genetics (formerly Invitae), Labcorp); PubMed 17293347 (cited by Labcorp Genetics (formerly Invitae), Labcorp); PubMed 9824584 (cited by Labcorp Genetics (formerly Invitae), Labcorp); PubMed 1316610 (cited by Labcorp Genetics (formerly Invitae), Labcorp); PubMed 27081525 (cited by Labcorp Genetics (formerly Invitae), Labcorp); PubMed 8381579 (cited by Labcorp Genetics (formerly Invitae), Labcorp); PubMed 22135120 (cited by Labcorp Genetics (formerly Invitae), Labcorp).

NM_000038.6(APC):c.5570C>A (p.Ser1857Ter)

Gene: APC (APC regulator of Wnt signaling pathway; plus strand). Cytogenetic location: 5q22.2.
Variant type: single nucleotide variant.
Coding change: c.5570C>A on transcript NM_000038.6 (MANE Select); coding-DNA position 5570, C replaced by A.
Protein change: p.Ser1857Ter; replaces serine 1857 with a stop codon.
Molecular consequence: nonsense.
Genome position (GRCh38, 1-based): chr5:112,841,164, C>A. VCF-style: chr5-112841164-C-A. GRCh37 (hg19) VCF-style: chr5-112176861-C-A.
Other names: c.5570C>A, p.Ser1857Ter (NM_001127510.3, NM_001354895.2); c.5516C>A, p.Ser1839Ter (NM_001127511.3); c.5624C>A, p.Ser1875Ter (NM_001354896.2); c.5600C>A, p.Ser1867Ter (NM_001354897.2); c.5495C>A, p.Ser1832Ter (NM_001354898.2); c.5486C>A, p.Ser1829Ter (NM_001354899.2); c.5447C>A, p.Ser1816Ter (NM_001354900.2); c.5393C>A, p.Ser1798Ter (NM_001354901.2); and 5 more; short protein forms S1839*, S1857*, S1816*, S1766*, S1798*, S1867*, S1756*, S1574*.
Identifiers: ClinVar variation 619609 (VCV000619609.5), dbSNP rs1561601114, ClinGen allele CA16033521.